The following is an entry in ClinVar:

NM_201384.3(PLEC):c.12031G>A (p.Val4011Ile)

Gene: PLEC (plectin; minus strand). Cytogenetic location: 8q24.3.
Variant type: single nucleotide variant.
Coding change: c.12031G>A on transcript NM_201384.3 (MANE Select); coding-DNA position 12031, G replaced by A.
Protein change: p.Val4011Ile; replaces valine 4011 with isoleucine.
Molecular consequence: missense variant.
Genome position (GRCh38, 1-based): chr8:143,917,790, C>T on the plus strand (G>A on the coding strand, the complement: PLEC is on the minus strand). VCF-style: chr8-143917790-C-T. GRCh37 (hg19) VCF-style: chr8-144991958-C-T.
Other names: c.12112G>A, p.Val4038Ile (NM_000445.5); c.8731G>A, p.Val2911Ile (NM_001410941.1); c.11989G>A, p.Val3997Ile (NM_201378.4); c.11965G>A, p.Val3989Ile (NM_201379.3); c.12442G>A, p.Val4148Ile (NM_201380.4); c.11935G>A, p.Val3979Ile (NM_201381.3); c.12031G>A, p.Val4011Ile (NM_201382.4); c.12043G>A, p.Val4015Ile (NM_201383.3); short protein forms V2911I, V4038I, V4148I, V3979I, V3997I, V4011I, V3989I, V4015I.
Identifiers: ClinVar variation 2371511 (VCV002371511.5), dbSNP rs546509221, ClinGen allele CA4924189.

ClinVar aggregate classification (germline): Uncertain significance. Review status: criteria provided, multiple submitters, no conflicts (2 of 4 stars). 2 submissions from 2 submitters: Uncertain significance (2). Last evaluated 2023-04-13.

Conditions:
Inborn genetic diseases. Identifiers: MedGen C0950123, MeSH D030342.
Epidermolysis bullosa simplex 5B, with muscular dystrophy (EBS5B). Also called: Epidermolysis bullosa simplex with muscular dystrophy; EPIDERMOLYSIS BULLOSA SIMPLEX AND LIMB-GIRDLE MUSCULAR DYSTROPHY. Identifiers: Orphanet 257, MedGen C2931072, MONDO:0009181, OMIM 226670.
Epidermolysis bullosa simplex, Ogna type (EBS5A). Also called: EPIDERMOLYSIS BULLOSA SIMPLEX 5A, OGNA TYPE; Pidermolysis bullosa simplex 5A, Ogna type. Identifiers: Orphanet 79401, MedGen C0432317, MONDO:0007555, OMIM 131950.
Epidermolysis bullosa simplex 5C, with pyloric atresia (EBS5C). Also called: PLEC-Related Epidermolysis Bullosa with Pyloric Atresia; Epidermolysis bullosa simplex with pyloric atresia; PLEC1-Related Epidermolysis Bullosa with Pyloric Atresia. Identifiers: Orphanet 158684, MedGen C2677349, MONDO:0012807, OMIM 612138.
Autosomal recessive limb-girdle muscular dystrophy type 2Q (LGMDR17). Also called: MUSCULAR DYSTROPHY, LIMB-GIRDLE, AUTOSOMAL RECESSIVE 17. Identifiers: Orphanet 254361, MedGen C3150989, MONDO:0013390, OMIM 613723.
Epidermolysis bullosa simplex with nail dystrophy (EBS5D). Identifiers: MedGen C4225309, MONDO:0014661, OMIM 616487.

Allele frequency attached by ClinVar (database versions not stated): gnomAD 0.00001; gnomAD exomes 0.00001; TOPMed 0.00001; ExAC 0.00004.

Submissions (2):

Labcorp Genetics (formerly Invitae), Labcorp
Classification: Uncertain significance for Autosomal recessive limb-girdle muscular dystrophy type 2Q; Epidermolysis bullosa simplex, Ogna type; Epidermolysis bullosa simplex with nail dystrophy; Epidermolysis bullosa simplex 5C, with pyloric atresia; Epidermolysis bullosa simplex 5B, with muscular dystrophy. Last evaluated: 2023-04-13. Review status: criteria provided, single submitter. Criteria: Invitae Variant Classification Sherloc (09022015). Collection method: clinical testing. Allele origin: germline.
Comment: In summary, the available evidence is currently insufficient to determine the role of this variant in disease. Therefore, it has been classified as a Variant of Uncertain Significance. Advanced modeling of protein sequence and biophysical properties (such as structural, functional, and spatial information, amino acid conservation, physicochemical variation, residue mobility, and thermodynamic stability) performed at Invitae indicates that this missense variant is not expected to disrupt PLEC protein function. ClinVar contains an entry for this variant (Variation ID: 2371511). This variant has not been reported in the literature in individuals affected with PLEC-related conditions. This variant is present in population databases (rs546509221, gnomAD 0.007%). This sequence change replaces valine, which is neutral and non-polar, with isoleucine, which is neutral and non-polar, at codon 4038 of the PLEC protein (p.Val4038Ile).

Ambry Genetics
Classification: Uncertain significance for Inborn genetic diseases. Last evaluated: 2022-08-17. Review status: criteria provided, single submitter. Criteria: Ambry Variant Classification Scheme 2023. Collection method: clinical testing. Allele origin: germline.